The following is an entry in ClinVar:

NM_006662.3(SRCAP):c.7549del (p.Gln2517fs)

Gene: SRCAP (Snf2 related CREBBP activator protein; plus strand). Cytogenetic location: 16p11.2.
Variant type: Deletion.
Coding change: c.7549del on transcript NM_006662.3 (MANE Select); coding-DNA position 7549, one base deleted (C; older notation c.7549delC).
Protein change: p.Gln2517fs; shifts the reading frame from glutamine 2517.
Molecular consequence: frameshift variant.
Genome position (GRCh38, 1-based): chr16:30,737,589, C deleted; the last of 3 consecutive C bases (chr16:30,737,587-30,737,589); deleting any one gives the same sequence. VCF-style (leftmost placement, unchanged base first): chr16-30737586-GC-G. GRCh37 (hg19) VCF-style: chr16-30748907-GC-G.
Other names: c.7549delC (NM_006662.2); short protein forms Q2517fs.
Identifiers: ClinVar variation 30910 (VCV000030910.3), dbSNP rs199469466, ClinGen allele CA259943.

ClinVar aggregate classification (germline): Pathogenic. Review status: criteria provided, single submitter (1 of 4 stars). 2 submissions from 2 submitters: Pathogenic (1). 1 of the submissions does not count toward it. Last evaluated 2025-08-05.

Conditions:
Inborn genetic diseases. Identifiers: MedGen C0950123, MeSH D030342.
Floating-Harbor syndrome (FLHS). Also called: Short stature with delayed bone age, expressive language delay, a triangular face with a prominent nose and deep-set eyes; Pelletier-Leisti syndrome; SRCAP-Related Floating-Harbor Syndrome. Identifiers: Orphanet 2044, MedGen C0729582, MONDO:0007621, OMIM 136140.

Submissions (2):

Ambry Genetics
Classification: Pathogenic for Inborn genetic diseases. Last evaluated: 2025-08-05. Review status: criteria provided, single submitter. Criteria: Ambry Variant Classification Scheme 2023. Collection method: clinical testing. Allele origin: germline.
Comment: The c.7549delC (p.Q2517Kfs*5) alteration, located in exon 34 (coding exon 32) of the SRCAP gene, consists of a deletion of one nucleotide at position 7549, causing a translational frameshift with a predicted alternate stop codon after 5 amino acids. This alteration occurs at the 3' terminus of the SRCAP gene and is not expected to trigger nonsense-mediated mRNA decay. This variant was not reported in population-based cohorts in the Genome Aggregation Database (gnomAD). This variant has been determined to be the result of a de novo mutation in one individual with features consistent with Floating-Harbor syndrome (Hood, 2012). This variant is located in a region of the protein where truncating variants that escape nonsense mediated mRNA decay have been reported as disease-causing for Floating-Harbor syndrome (Hood, 2012; Nikkel, 2013; Homma, 2019). Based on the available evidence, this alteration is classified as pathogenic.

OMIM
Classification: Pathogenic for FLOATING-HARBOR SYNDROME. Last evaluated: 2012-02-10. Review status: no assertion criteria provided. Collection method: literature only. Allele origin: germline. Not counted in ClinVar's aggregate classification.

Literature cited by the submitters: PubMed 22265015 (cited by Ambry Genetics and OMIM); PubMed 23621943 (cited by Ambry Genetics); PubMed 31715605 (cited by Ambry Genetics).